The following is an entry in ClinVar:

ClinVar aggregate classification (germline): Uncertain significance (1 of 4 stars; one submission).

Conditions:
Familial thoracic aortic aneurysm and aortic dissection (TAAD). Also called: Thoracic aortic aneurysms and dissections. Identifiers: Orphanet 91387, MedGen C4707243, MONDO:0019625.

Submission:

All of Us Research Program, National Institutes of Health
Classification: Uncertain significance for Familial thoracic aortic aneurysm and aortic dissection. Last evaluated: 2024-08-06. Review status: criteria provided, single submitter. Criteria: ACMG Guidelines, 2015. Collection method: clinical testing. Allele origin: germline. Inheritance: Autosomal dominant inheritance. Observed: 1 variant allele, 1 heterozygote.
Comment: This study involves interpretation of variants in research participants for the purpose of population health screening. Participant phenotype was not available at the time of variant classification. Additional details can be found in publication PMID: 35346344, PMCID: PMC8962531

NM_002474.3(MYH11):c.5054_5055insTCTTT (p.Leu1685fs)

Genes: NDE1 (nudE neurodevelopment protein 1; plus strand), MYH11 (myosin heavy chain 11; minus strand). Cytogenetic location: 16p13.11.
Variant type: Insertion.
Coding change: c.5054_5055insTCTTT on transcript NM_002474.3 (MANE Select); coding-DNA positions 5054 to 5055, TCTTT inserted.
Protein change: p.Leu1685fs; shifts the reading frame from leucine 1685.
Molecular consequence: frameshift variant. On other transcripts: intron variant (2).
Genome position: GRCh38 VCF-style: chr16-15719612-C-CAAAGA. GRCh37 (hg19) VCF-style: chr16-15813469-C-CAAAGA.
Other names: c.5075_5076insTCTTT, p.Leu1692fs (NM_001040113.2, NM_001040114.2); c.5054_5055insTCTTT, p.Leu1685fs (NM_022844.3); c.948-4577_948-4576insAGAAA (NM_001143979.2, NM_017668.3); short protein forms L1685fs, L1692fs.
Identifiers: ClinVar variation 3387172 (VCV003387172.1).